The following is an entry in ClinVar:

ClinVar aggregate classification (germline): Likely benign. Review status: reviewed by expert panel (3 of 4 stars). 9 submissions from 9 submitters: Likely benign (1). 8 of the submissions do not count toward it. Last evaluated 2017-06-29.

Conditions:
Hereditary cancer-predisposing syndrome. Also called: Hereditary Cancer Syndrome; Hereditary neoplastic syndrome; Tumor predisposition; Neoplastic Syndromes, Hereditary. Identifiers: Orphanet 140162, MedGen C0027672, MeSH D009386, MONDO:0015356.
Hereditary breast ovarian cancer syndrome. Also called: Hereditary breast and ovarian cancer syndrome; Hereditary breast and ovarian cancer syndrome (HBOC); BRCA1- and BRCA2-Associated Hereditary Breast and Ovarian Cancer; Breast and ovarian cancer; Hereditary breast and ovarian cancer; Hereditary breast and/or ovarian cancer syndrome. Identifiers: Orphanet 145, MedGen C0677776, MeSH D061325, MONDO:0003582. Disease mechanism: loss of function.
Breast-ovarian cancer, familial, susceptibility to, 1 (BROVCA1). Also called: OVARIAN CANCER, SUSCEPTIBILITY TO; BRCA1 Hereditary Breast and Ovarian Cancer. Identifiers: Orphanet 145, MedGen C2676676, MONDO:0011450, OMIM 604370. Disease mechanism: loss of function.
BRCA1-related cancer predisposition. Identifiers: MedGen CN377757, MONDO:0700268.

Allele frequency attached by ClinVar (database versions not stated): gnomAD exomes below 0.00001; TOPMed below 0.00001; gnomAD 0.00001.
gnomAD v4.1: 2 of 1,613,536 alleles (0.00012%); highest among the groups gnomAD compares: African/African-American, 0.0027%; no homozygotes.

Submissions (9):

Evidence-based Network for the Interpretation of Germline Mutant Alleles (ENIGMA)
Classification: Likely benign for Breast-ovarian cancer, familial, susceptibility to, 1. Last evaluated: 2017-06-29. Review status: reviewed by expert panel. Criteria: ENIGMA BRCA1/2 Classification Criteria (2017-06-29). Collection method: curation. Allele origin: germline.
Comment: Synonymous substitution variant, with low bioinformatic likelihood to result in a splicing aberration (Splicing prior probability 0.02).

Labcorp Genetics (formerly Invitae), Labcorp
Classification: Likely benign for Hereditary breast ovarian cancer syndrome. Last evaluated: 2025-12-06. Review status: criteria provided, single submitter. Criteria: Invitae Variant Classification Sherloc (09022015). Collection method: clinical testing. Allele origin: germline. Not counted in ClinVar's aggregate classification.

Center for Genomic Medicine, Rigshospitalet, Copenhagen University Hospital
Classification: Likely benign. Last evaluated: 2025-03-04. Review status: criteria provided, single submitter. Criteria: ACMG Guidelines, 2015. Collection method: clinical testing. Allele origin: germline. Not counted in ClinVar's aggregate classification.

All of Us Research Program, National Institutes of Health
Classification: Likely benign for BRCA1-related cancer predisposition. Last evaluated: 2024-05-14. Review status: criteria provided, single submitter. Criteria: ACMG Guidelines, 2015. Collection method: clinical testing. Allele origin: germline. Inheritance: Autosomal dominant inheritance. Observed: 3 variant alleles, 3 heterozygotes. Not counted in ClinVar's aggregate classification.
Comment: This study involves interpretation of variants in research participants for the purpose of population health screening. Participant phenotype was not available at the time of variant classification. Additional details can be found in publication PMID: 35346344, PMCID: PMC8962531

Women's Health and Genetics/Laboratory Corporation of America, LabCorp
Classification: Likely benign. Last evaluated: 2024-03-17. Review status: criteria provided, single submitter. Criteria: LabCorp Variant Classification Summary - May 2015. Collection method: clinical testing. Allele origin: germline. Not counted in ClinVar's aggregate classification.

Sema4
Classification: Likely benign for Hereditary cancer-predisposing syndrome. Last evaluated: 2022-02-15. Review status: criteria provided, single submitter. Criteria: Sema4 Curation Guidelines. Collection method: curation. Allele origin: germline. Not counted in ClinVar's aggregate classification.

GeneDx
Classification: Likely benign. Last evaluated: 2018-08-30. Review status: criteria provided, single submitter. Criteria: GeneDx Variant Classification Process June 2021. Collection method: clinical testing. Allele origin: germline. Affected: yes. Not counted in ClinVar's aggregate classification.

Quest Diagnostics Nichols Institute San Juan Capistrano
Classification: Likely benign. Last evaluated: 2016-11-03. Review status: criteria provided, single submitter. Criteria: Quest Diagnostics criteria. Collection method: clinical testing. Allele origin: germline. Not counted in ClinVar's aggregate classification.

Ambry Genetics
Classification: Likely benign for Hereditary cancer-predisposing syndrome. Last evaluated: 2014-10-06. Review status: criteria provided, single submitter. Criteria: Ambry Variant Classification Scheme 2023. Collection method: clinical testing. Allele origin: germline. Not counted in ClinVar's aggregate classification.

NM_007294.4(BRCA1):c.4380T>C (p.Ser1460=)

Gene: BRCA1 (BRCA1 DNA repair associated; minus strand). Cytogenetic location: 17q21.31.
Variant type: single nucleotide variant.
Coding change: c.4380T>C on transcript NM_007294.4 (MANE Select); coding-DNA position 4380, T replaced by C.
Protein change: p.Ser1460=; no amino-acid change (serine 1460 retained).
Molecular consequence: synonymous variant. On other transcripts: intron variant (3).
Genome position (GRCh38, 1-based): chr17:43,076,592, A>G on the plus strand (T>C on the coding strand, the complement: BRCA1 is on the minus strand). VCF-style: chr17-43076592-A-G. GRCh37 (hg19) VCF-style: chr17-41228609-A-G.
Other names: c.4167T>C, p.Ser1389= (NM_001407571.1, NM_001407894.1, NM_001407895.1 and 12 more transcripts); c.4446T>C, p.Ser1482= (NM_001407581.1, NM_001407582.1); c.4443T>C, p.Ser1481= (NM_001407583.1, NM_001407585.1, NM_001407587.1 and 1 more transcripts); c.4440T>C, p.Ser1480= (NM_001407590.1, NM_001407591.1); c.4380T>C, p.Ser1460= (NM_001407593.1, NM_001407594.1, NM_001407596.1 and 8 more transcripts); c.4377T>C, p.Ser1459= (NM_001407610.1, NM_001407611.1, NM_001407612.1 and 17 more transcripts); c.4374T>C, p.Ser1458= (NM_001407627.1, NM_001407628.1, NM_001407629.1 and 14 more transcripts); c.4371T>C, p.Ser1457= (NM_001407644.1, NM_001407645.1); and 71 more.
Identifiers: ClinVar variation 186631 (VCV000186631.25), dbSNP rs786203100, ClinGen allele CA002809.
Genomic context (GRCh38, chr17:43,076,592, plus strand): 5'-AGACACCTCAAACTTGTCAGCAGAAAGGCCTTCTGGATTCTGGCTTATAGGGTATTCACT[A>G]CTTTTCTGTGAAGTTAATACTGCTTTAAATGGAATGAGAAAACAAATCTACTTTACTGCT-3'
Protein context (NP_009225.1, residues 1450-1470): SEKAVLTSQK[Ser1460=]SEYPISQNPE